The following is an entry in ClinVar:

ClinVar aggregate classification (germline): Uncertain significance (1 of 4 stars; one submission).

Allele frequency attached by ClinVar (database versions not stated): gnomAD exomes below 0.00001; TOPMed below 0.00001.
gnomAD v4.1: 3 of 1,063,178 alleles (0.00028%); highest among the groups gnomAD compares: Non-Finnish European, 0.00034%; no homozygotes.

Submission:

Ambry Genetics
Classification: Uncertain significance. Last evaluated: 2023-10-19. Review status: criteria provided, single submitter. Criteria: Ambry Variant Classification Scheme 2023. Collection method: clinical testing. Allele origin: germline.
Comment: The p.A39T variant (also known as c.115G>A), located in coding exon 1 of the GALNT12 gene, results from a G to A substitution at nucleotide position 115. The alanine at codon 39 is replaced by threonine, an amino acid with similar properties. This amino acid position is not well conserved in available vertebrate species. In addition, this alteration is predicted to be tolerated by in silico analysis. Since supporting evidence is limited at this time, the clinical significance of this alteration remains unclear.

NM_024642.5(GALNT12):c.115G>A (p.Ala39Thr)

Gene: GALNT12 (polypeptide N-acetylgalactosaminyltransferase 12; plus strand). Cytogenetic location: 9q22.33.
Variant type: single nucleotide variant.
Coding change: c.115G>A on transcript NM_024642.5 (MANE Select); coding-DNA position 115, G replaced by A.
Protein change: p.Ala39Thr; replaces alanine 39 with threonine.
Molecular consequence: missense variant.
Genome position (GRCh38, 1-based): chr9:98,807,813, G>A. VCF-style: chr9-98807813-G-A. GRCh37 (hg19) VCF-style: chr9-101570095-G-A.
Other names: short protein forms A39T.
Identifiers: ClinVar variation 1736383 (VCV001736383.2), dbSNP rs1835408650, ClinGen allele CA374222306.
Genomic context (GRCh38, chr9:98,807,813, plus strand): 5'-GAGGCGCTGTTGGTGCTCCTGGCGCTACTGGCGTTGGCCGGGCTGGGCTCGGTGCTGCGG[G>A]CGCAGCGTGGGGCCGGGGCCGGGGCTGCCGAGCCGGGACCCCCGCGCACCCCGCGCCCCG-3'
Protein context (NP_078918.3, residues 29-49): ALAGLGSVLR[Ala39Thr]QRGAGAGAAE